The following is an entry in ClinVar:

NM_000166.6(GJB1):c.842C>G (p.Ser281Trp)

Gene: GJB1 (gap junction protein beta 1; plus strand). Cytogenetic location: Xq13.1.
Variant type: single nucleotide variant.
Coding change: c.842C>G on transcript NM_000166.6 (MANE Select); coding-DNA position 842, C replaced by G.
Protein change: p.Ser281Trp; replaces serine 281 with tryptophan.
Molecular consequence: missense variant.
Genome position (GRCh38, 1-based): chrX:71,224,549, C>G. VCF-style: chrX-71224549-C-G. GRCh37 (hg19) VCF-style: chrX-70444399-C-G.
Other names: c.842C>G, p.Ser281Trp (NM_001097642.3, NM_001440770.1); short protein forms S281W.
Identifiers: ClinVar variation 4778447 (VCV004778447.1).

ClinVar aggregate classification (germline): Uncertain significance (1 of 4 stars; one submission).

Conditions:
Charcot-Marie-Tooth Neuropathy X. Identifiers: MedGen CN118851.

gnomAD v4.1: 2 of 1,184,996 alleles (0.00017%); highest among the groups gnomAD compares: Non-Finnish European, 0.00023%; no homozygotes.

Submission:

Labcorp Genetics (formerly Invitae), Labcorp
Classification: Uncertain significance for Charcot-Marie-Tooth Neuropathy X. Last evaluated: 2025-07-27. Review status: criteria provided, single submitter. Criteria: Invitae Variant Classification Sherloc (09022015). Collection method: clinical testing. Allele origin: germline.
Comment: This sequence change replaces serine, which is neutral and polar, with tryptophan, which is neutral and slightly polar, at codon 281 of the GJB1 protein (p.Ser281Trp). This variant is not present in population databases (gnomAD no frequency). This variant has not been reported in the literature in individuals affected with GJB1-related conditions. Invitae Evidence Modeling of protein sequence and biophysical properties (such as structural, functional, and spatial information, amino acid conservation, physicochemical variation, residue mobility, and thermodynamic stability) indicates that this missense variant is not expected to disrupt GJB1 protein function with a negative predictive value of 95%. In summary, the available evidence is currently insufficient to determine the role of this variant in disease. Therefore, it has been classified as a Variant of Uncertain Significance.